The following is an entry in ClinVar:

NM_033637.4(BTRC):c.873_874del (p.His291fs)

Gene: BTRC (beta-transducin repeat containing E3 ubiquitin protein ligase; plus strand). Cytogenetic location: 10q24.32.
Variant type: Deletion.
Coding change: c.873_874del on transcript NM_033637.4 (MANE Select); coding-DNA positions 873 to 874, 2 bases deleted (TA; older notation c.873_874delTA).
Protein change: p.His291fs; shifts the reading frame from histidine 291.
Molecular consequence: frameshift variant.
Genome position (GRCh38, 1-based): chr10:101,532,327-101,532,328, TA deleted; deleting any 2 consecutive bases within chr10:101,532,326-101,532,328 gives the same sequence; the c. name uses the placement nearest the transcript's 3' end. VCF-style (leftmost placement, unchanged base first): chr10-101532325-CAT-C. GRCh37 (hg19) VCF-style: chr10-103292082-CAT-C.
Other names: c.795_796del, p.His265fs (NM_001256856.2); c.765_766del, p.His255fs (NM_003939.5); short protein forms H255fs, H265fs, H291fs.
Identifiers: ClinVar variation 2632860 (VCV002632860.2), dbSNP rs1220353110, ClinGen allele CA658973569.

ClinVar aggregate classification (germline): Uncertain significance (1 of 4 stars; one submission).

Conditions:
BTRC-related disorder. Also called: BTRC-related condition.

Submission:

PreventionGenetics, part of Exact Sciences
Classification: Uncertain significance for BTRC-related condition. Last evaluated: 2025-06-17. Review status: criteria provided, single submitter. Criteria: ACMG Guidelines, 2015. Collection method: clinical testing. Allele origin: germline.
Comment: The BTRC c.873_874delTA variant is predicted to result in a frameshift and premature protein termination (p.His291Glnfs*10). To our knowledge, this variant has not been reported in the literature or in a large population database (gnomAD), indicating this variant is rare. Loss-of-function has not been established as a disease mechanism for this gene, and therefore the clinical significance of this variant is currently uncertain due to the absence of conclusive functional and genetic evidence.